The following is an entry in ClinVar:

NM_001429.4(EP300):c.1349C>T (p.Ala450Val)

Gene: EP300 (E1A binding protein p300; plus strand). Cytogenetic location: 22q13.2.
Variant type: single nucleotide variant.
Coding change: c.1349C>T on transcript NM_001429.4 (MANE Select); coding-DNA position 1349, C replaced by T.
Protein change: p.Ala450Val; replaces alanine 450 with valine.
Molecular consequence: missense variant.
Genome position (GRCh38, 1-based): chr22:41,131,454, C>T. VCF-style: chr22-41131454-C-T. GRCh37 (hg19) VCF-style: chr22-41527458-C-T.
Other names: c.1349C>T, p.Ala450Val (NM_001362843.2); short protein forms A450V.
Identifiers: ClinVar variation 3356349 (VCV003356349.1).

ClinVar aggregate classification (germline): Uncertain significance (0 of 4 stars; one submission).

Conditions:
EP300-related disorder. Also called: EP300-related disorders; EP300-related condition.

gnomAD v4.1: 2 of 1,614,074 alleles (0.00012%); highest among the groups gnomAD compares: South Asian, 0.0011%; no homozygotes.

Submission:

PreventionGenetics, part of Exact Sciences
Classification: Uncertain significance for EP300-related condition. Last evaluated: 2024-03-22. Review status: no assertion criteria provided. Collection method: clinical testing. Allele origin: germline.
Comment: The EP300 c.1349C>T variant is predicted to result in the amino acid substitution p.Ala450Val. To our knowledge, this variant has not been reported in the literature. This variant is reported in 0.0062% of alleles in individuals of African descent in gnomAD. At this time, the clinical significance of this variant is uncertain due to the absence of conclusive functional and genetic evidence.